The following is an entry in ClinVar:

NM_005902.4(SMAD3):c.100G>A (p.Ala34Thr)

Gene: SMAD3 (SMAD family member 3; plus strand). Cytogenetic location: 15q22.33.
Variant type: single nucleotide variant.
Coding change: c.100G>A on transcript NM_005902.4 (MANE Select); coding-DNA position 100, G replaced by A.
Protein change: p.Ala34Thr; replaces alanine 34 with threonine.
Molecular consequence: missense variant.
Genome position (GRCh38, 1-based): chr15:67,066,254, G>A. VCF-style: chr15-67066254-G-A. GRCh37 (hg19) VCF-style: chr15-67358592-G-A.
Other names: short protein forms A34T.
Identifiers: ClinVar variation 1333943 (VCV001333943.8), dbSNP rs2140188906, ClinGen allele CA393202888.

ClinVar aggregate classification (germline): Uncertain significance. Review status: criteria provided, multiple submitters, no conflicts (2 of 4 stars). 3 submissions from 3 submitters: Uncertain significance (3). Last evaluated 2024-06-24.

Conditions:
Familial thoracic aortic aneurysm and aortic dissection (TAAD). Also called: Thoracic aortic aneurysms and dissections. Identifiers: Orphanet 91387, MedGen C4707243, MONDO:0019625.
Aneurysm-osteoarthritis syndrome. Also called: SMAD3-Related Loeys-Dietz Syndrome; Loeys-Dietz syndrome, type 1C; ANEURYSMS-OSTEOARTHRITIS SYNDROME; LOEYS-DIETZ SYNDROME WITH OSTEOARTHRITIS. Identifiers: Orphanet 284984, MedGen C3151087, MONDO:0013426, OMIM 613795.

Submissions (3):

Labcorp Genetics (formerly Invitae), Labcorp
Classification: Uncertain significance for Familial thoracic aortic aneurysm and aortic dissection. Last evaluated: 2024-06-24. Review status: criteria provided, single submitter. Criteria: Invitae Variant Classification Sherloc (09022015). Collection method: clinical testing. Allele origin: germline.
Comment: This sequence change replaces alanine, which is neutral and non-polar, with threonine, which is neutral and polar, at codon 34 of the SMAD3 protein (p.Ala34Thr). This variant is not present in population databases (gnomAD no frequency). This variant has not been reported in the literature in individuals affected with SMAD3-related conditions. ClinVar contains an entry for this variant (Variation ID: 1333943). Advanced modeling of protein sequence and biophysical properties (such as structural, functional, and spatial information, amino acid conservation, physicochemical variation, residue mobility, and thermodynamic stability) performed at Invitae indicates that this missense variant is expected to disrupt SMAD3 protein function with a positive predictive value of 80%. In summary, the available evidence is currently insufficient to determine the role of this variant in disease. Therefore, it has been classified as a Variant of Uncertain Significance.

Blueprint Genetics
Classification: Uncertain significance. Last evaluated: 2022-06-09. Review status: criteria provided, single submitter. Criteria: ACMG Guidelines, 2015. Collection method: clinical testing. Allele origin: germline.

CENTOGENE GmbH and LLC - Guiding Precision Medicine
Classification: Uncertain significance for Aneurysm-osteoarthritis syndrome. Last evaluated: 2020-06-30. Review status: criteria provided, single submitter. Criteria: ACMG Guidelines, 2015. Collection method: clinical testing. Allele origin: germline.